The following is an entry in ClinVar:

NM_006648.4(WNK2):c.4025C>A (p.Ala1342Asp)

Gene: WNK2 (WNK lysine deficient protein kinase 2; plus strand). Cytogenetic location: 9q22.31.
Variant type: single nucleotide variant.
Coding change: c.4025C>A on transcript NM_006648.4 (MANE Select); coding-DNA position 4025, C replaced by A.
Protein change: p.Ala1342Asp; replaces alanine 1342 with aspartic acid.
Molecular consequence: missense variant.
Genome position (GRCh38, 1-based): chr9:93,268,738, C>A. VCF-style: chr9-93268738-C-A. GRCh37 (hg19) VCF-style: chr9-96031020-C-A.
Other names: c.4025C>A, p.Ala1342Asp (NM_001282394.3); short protein forms A1342D.
Identifiers: ClinVar variation 4826251 (VCV004826251.1).

ClinVar aggregate classification (germline): Uncertain significance (1 of 4 stars; one submission).

gnomAD v4.1: 1 of 1,612,526 alleles (0.000062%); highest among the groups gnomAD compares: Admixed American, 0.0017%; no homozygotes.

Submission:

Ambry Genetics
Classification: Uncertain significance. Last evaluated: 2026-03-11. Review status: criteria provided, single submitter. Criteria: Ambry Variant Classification Scheme 2023. Collection method: clinical testing. Allele origin: germline.
Comment: The p.A1342D variant (also known as c.4025C>A), located in coding exon 18 of the WNK2 gene, results from a C to A substitution at nucleotide position 4025. The alanine at codon 1342 is replaced by aspartic acid, an amino acid with dissimilar properties. This amino acid position is conserved. In addition, this alteration is predicted to be tolerated by in silico analysis. Based on the available evidence, the clinical significance of this variant remains unclear.